The following is an entry in ClinVar:

ClinVar aggregate classification (germline): Uncertain significance (1 of 4 stars; one submission).

Submission:

GeneDx
Classification: Uncertain significance. Last evaluated: 2025-09-30. Review status: criteria provided, single submitter. Criteria: GeneDx Variant Classification Process June 2021. Collection method: clinical testing. Allele origin: germline. Affected: yes.
Comment: Not observed at significant frequency in large population cohorts (gnomAD); In silico analysis suggests that this variant does not alter splicing; Has not been previously published as pathogenic or benign to our knowledge

NM_194454.3(KRIT1):c.730-12T>C

Gene: KRIT1 (KRIT1 ankyrin repeat containing; minus strand). Cytogenetic location: 7q21.2.
Variant type: single nucleotide variant.
Coding change: c.730-12T>C on transcript NM_194454.3 (MANE Select); 12 bases into the intron before coding-DNA position 730, T replaced by C.
Molecular consequence: intron variant.
Genome position (GRCh38, 1-based): chr7:92,234,935, A>G on the plus strand (T>C on the coding strand, the complement: KRIT1 is on the minus strand). VCF-style: chr7-92234935-A-G. GRCh37 (hg19) VCF-style: chr7-91864249-A-G.
Other names: c.730-12T>C (NM_001350672.1, NM_001350676.1, NM_001350673.1 and 29 more transcripts); c.16-12T>C (NM_001350671.1).
Identifiers: ClinVar variation 4819506 (VCV004819506.1).